The following is an entry in ClinVar:

NM_005198.5(CHKB):c.678-66G>A

Genes: CHKB (choline kinase beta; minus strand), CHKB-CPT1B (CHKB-CPT1B readthrough (NMD candidate); minus strand). Cytogenetic location: 22q13.33.
Variant type: single nucleotide variant.
Coding change: c.678-66G>A on transcript NM_005198.5 (MANE Select); 66 bases into the intron before coding-DNA position 678, G replaced by A.
Molecular consequence: intron variant.
Genome position (GRCh38, 1-based): chr22:50,580,482, C>T on the plus strand (G>A on the coding strand, the complement: CHKB is on the minus strand). VCF-style: chr22-50580482-C-T. GRCh37 (hg19) VCF-style: chr22-51018911-C-T.
Identifiers: ClinVar variation 676260 (VCV000676260.2), dbSNP rs2269382, ClinGen allele CA14992525.
Genomic context (GRCh38, chr22:50,580,482, plus strand): 5'-GGGGTATGGGAGCATGGGTCCTGAGCAGGAGTGACTAGAGGAGGATCAGAGCCACCCTAA[C>T]AGGCCAGGCCCTGACACCAGCCCTCAGCAACTACTGGAAGGGCGGACACCATTACCATTA-3'

ClinVar aggregate classification (germline): Benign. Review status: criteria provided, multiple submitters, no conflicts (2 of 4 stars). 2 submissions from 2 submitters: Benign (2). Last evaluated 2018-06-16.

Allele frequency attached by ClinVar (database versions not stated): ESP Exome Variant Server 0.05300; gnomAD 0.05875 and 0.06398; gnomAD exomes 0.06105; TOPMed 0.06829; 1000 Genomes Project 30x 0.12024; 1000 Genomes Project 0.12220.

Submissions (2):

GeneDx
Classification: Benign. Last evaluated: 2018-06-16. Review status: criteria provided, single submitter. Criteria: GeneDx Variant Classification (06012015). Collection method: clinical testing. Allele origin: germline. Affected: yes.
Comment: This variant is considered likely benign or benign based on one or more of the following criteria: it is a conservative change, it occurs at a poorly conserved position in the protein, it is predicted to be benign by multiple in silico algorithms, and/or has population frequency not consistent with disease.

Breakthrough Genomics
Classification: Benign. Review status: criteria provided, single submitter. Criteria: ACMG Guidelines, 2015. Collection method: not provided. Allele origin: germline. Inheritance: Autosomal recessive inheritance. Affected: yes.